The following is an entry in ClinVar:

NM_130384.3(ATRIP):c.1234C>A (p.Gln412Lys)

Genes: ATRIP (ATR interacting protein; plus strand), ATRIP-TREX1 (ATRIP-TREX1 readthrough; plus strand). Cytogenetic location: 3p21.31.
Variant type: single nucleotide variant.
Coding change: c.1234C>A on transcript NM_130384.3 (MANE Select); coding-DNA position 1234, C replaced by A.
Protein change: p.Gln412Lys; replaces glutamine 412 with lysine.
Molecular consequence: missense variant. On other transcripts: non-coding transcript variant (1).
Genome position (GRCh38, 1-based): chr3:48,460,288, C>A. VCF-style: chr3-48460288-C-A. GRCh37 (hg19) VCF-style: chr3-48501687-C-A.
Other names: c.853C>A, p.Gln285Lys (NM_001271022.2); c.955C>A, p.Gln319Lys (NM_001271023.2); c.1234C>A, p.Gln412Lys (NM_032166.4); short protein forms Q285K, Q319K, Q412K.
Identifiers: ClinVar variation 4867198 (VCV004867198.1).

ClinVar aggregate classification (germline): Uncertain significance (1 of 4 stars; one submission).

gnomAD v4.1: 1 of 1,614,110 alleles (0.000062%); highest among the groups gnomAD compares: Non-Finnish European, 0.000085%; no homozygotes.

Submission:

Ambry Genetics
Classification: Uncertain significance. Last evaluated: 2026-03-28. Review status: criteria provided, single submitter. Criteria: Ambry Variant Classification Scheme 2023. Collection method: clinical testing. Allele origin: germline.
Comment: The p.Q412K variant (also known as c.1234C>A), located in coding exon 8 of the ATRIP gene, results from a C to A substitution at nucleotide position 1234. The glutamine at codon 412 is replaced by lysine, an amino acid with similar properties. This amino acid position is conserved. In addition, this alteration is predicted to be tolerated by in silico analysis. Based on the available evidence, the clinical significance of this variant remains unclear.